The following is an entry in ClinVar:

NM_001378457.1(DMXL2):c.3218C>T (p.Ala1073Val)

Gene: DMXL2 (Dmx like 2; minus strand). Cytogenetic location: 15q21.2.
Variant type: single nucleotide variant.
Coding change: c.3218C>T on transcript NM_001378457.1 (MANE Select); coding-DNA position 3218, C replaced by T.
Protein change: p.Ala1073Val; replaces alanine 1073 with valine.
Molecular consequence: missense variant. On other transcripts: non-coding transcript variant (2), intron variant (2).
Genome position (GRCh38, 1-based): chr15:51,500,006, G>A on the plus strand (C>T on the coding strand, the complement: DMXL2 is on the minus strand). VCF-style: chr15-51500006-G-A. GRCh37 (hg19) VCF-style: chr15-51792203-G-A.
Other names: c.3218C>T, p.Ala1073Val (NM_001174116.3, NM_001378458.1, NM_001378459.1 and 4 more transcripts); c.2978C>T, p.Ala993Val (NM_001378464.1); c.2764+7128C>T (NM_001378460.1); c.2765-4872C>T (NM_001174117.3); short protein forms A993V, A1073V.
Identifiers: ClinVar variation 2055212 (VCV002055212.4), dbSNP rs2548509861, ClinGen allele CA392437208.

ClinVar aggregate classification (germline): Uncertain significance (1 of 4 stars; one submission).

Allele frequency attached by ClinVar (database versions not stated): gnomAD exomes below 0.00001.
gnomAD v4.1: 2 of 1,614,054 alleles (0.00012%); highest among the groups gnomAD compares: Non-Finnish European, 0.00017%; no homozygotes.

Submission:

Labcorp Genetics (formerly Invitae), Labcorp
Classification: Uncertain significance. Last evaluated: 2022-02-28. Review status: criteria provided, single submitter. Criteria: Invitae Variant Classification Sherloc (09022015). Collection method: clinical testing. Allele origin: germline.
Comment: In summary, the available evidence is currently insufficient to determine the role of this variant in disease. Therefore, it has been classified as a Variant of Uncertain Significance. Algorithms developed to predict the effect of missense changes on protein structure and function are either unavailable or do not agree on the potential impact of this missense change (SIFT: "Tolerated"; PolyPhen-2: "Probably Damaging"; Align-GVGD: "Class C0"). This variant has not been reported in the literature in individuals affected with DMXL2-related conditions. This variant is not present in population databases (gnomAD no frequency). This sequence change replaces alanine, which is neutral and non-polar, with valine, which is neutral and non-polar, at codon 1073 of the DMXL2 protein (p.Ala1073Val).